The following is an entry in ClinVar:

NM_007294.4(BRCA1):c.2103G>A (p.Lys701=)

Gene: BRCA1 (BRCA1 DNA repair associated; minus strand). Cytogenetic location: 17q21.31.
Variant type: single nucleotide variant.
Coding change: c.2103G>A on transcript NM_007294.4 (MANE Select); coding-DNA position 2103, G replaced by A.
Protein change: p.Lys701=; no amino-acid change (lysine 701 retained).
Molecular consequence: synonymous variant. On other transcripts: intron variant (137).
Genome position (GRCh38, 1-based): chr17:43,093,428, C>T on the plus strand (G>A on the coding strand, the complement: BRCA1 is on the minus strand). VCF-style: chr17-43093428-C-T. GRCh37 (hg19) VCF-style: chr17-41245445-C-T.
Other names: K701K; c.1962G>A, p.Lys654= (NM_001407728.1, NM_001407729.1, NM_001407730.1 and 29 more transcripts); c.1959G>A, p.Lys653= (NM_001407740.1, NM_001407741.1, NM_001407742.1 and 20 more transcripts); c.1890G>A, p.Lys630= (NM_001407853.1, NM_001407894.1, NM_001407895.1 and 9 more transcripts); c.2103G>A, p.Lys701= (NM_001407854.1, NM_001407858.1, NM_001407859.1 and 30 more transcripts); c.2100G>A, p.Lys700= (NM_001407860.1, NM_001407861.1, NM_001407587.1 and 22 more transcripts); c.1902G>A, p.Lys634= (NM_001407862.1); c.1980G>A, p.Lys660= (NM_001407863.1, NM_001407919.1, NM_001407937.1 and 19 more transcripts); and 42 more.
Identifiers: ClinVar variation 54459 (VCV000054459.20), dbSNP rs273898677, ClinGen allele CA001392.

ClinVar aggregate classification (germline): Likely benign. Review status: reviewed by expert panel (3 of 4 stars). 6 submissions from 6 submitters: Likely benign (1). 5 of the submissions do not count toward it. Last evaluated 2017-06-29.

Conditions:
Hereditary cancer-predisposing syndrome. Also called: Tumor predisposition; Neoplastic Syndromes, Hereditary; Hereditary Cancer Syndrome; Hereditary neoplastic syndrome. Identifiers: Orphanet 140162, MedGen C0027672, MeSH D009386, MONDO:0015356.
Hereditary breast ovarian cancer syndrome. Also called: Hereditary breast and ovarian cancer syndrome (HBOC); Hereditary breast and ovarian cancer syndrome; Hereditary breast and ovarian cancer; Hereditary breast and/or ovarian cancer syndrome; Breast and ovarian cancer; BRCA1- and BRCA2-Associated Hereditary Breast and Ovarian Cancer. Identifiers: Orphanet 145, MedGen C0677776, MeSH D061325, MONDO:0003582. Disease mechanism: loss of function.
Breast-ovarian cancer, familial, susceptibility to, 1 (BROVCA1). Also called: OVARIAN CANCER, SUSCEPTIBILITY TO; BRCA1 Hereditary Breast and Ovarian Cancer. Identifiers: Orphanet 145, MedGen C2676676, MONDO:0011450, OMIM 604370. Disease mechanism: loss of function.

Allele frequency attached by ClinVar (database versions not stated): gnomAD exomes below 0.00001.
gnomAD v4.1: 1 of 1,614,040 alleles (0.000062%); highest among the groups gnomAD compares: Non-Finnish European, 0.000085%; no homozygotes.

Submissions (6):

Evidence-based Network for the Interpretation of Germline Mutant Alleles (ENIGMA)
Classification: Likely benign for Breast-ovarian cancer, familial, susceptibility to, 1. Last evaluated: 2017-06-29. Review status: reviewed by expert panel. Criteria: ENIGMA BRCA1/2 Classification Criteria (2017-06-29). Collection method: curation. Allele origin: germline.
Comment: Synonymous substitution variant, with low bioinformatic likelihood to result in a splicing aberration (Splicing prior probability 0.02).

Labcorp Genetics (formerly Invitae), Labcorp
Classification: Likely benign for Hereditary breast ovarian cancer syndrome. Last evaluated: 2024-07-30. Review status: criteria provided, single submitter. Criteria: Invitae Variant Classification Sherloc (09022015). Collection method: clinical testing. Allele origin: germline. Not counted in ClinVar's aggregate classification.

All of Us Research Program, National Institutes of Health
Classification: Likely benign for Breast-ovarian cancer, familial, susceptibility to, 1. Last evaluated: 2023-12-13. Review status: criteria provided, single submitter. Criteria: ACMG Guidelines, 2015. Collection method: clinical testing. Allele origin: germline. Inheritance: Autosomal dominant inheritance. Observed: 2 variant alleles, 2 heterozygotes. Not counted in ClinVar's aggregate classification.
Comment: This study involves interpretation of variants in research participants for the purpose of population health screening. Participant phenotype was not available at the time of variant classification. Additional details can be found in publication PMID: 35346344, PMCID: PMC8962531

Color Diagnostics, LLC DBA Color Health
Classification: Likely benign for Hereditary cancer-predisposing syndrome. Last evaluated: 2017-08-11. Review status: criteria provided, single submitter. Criteria: ACMG Guidelines, 2015. Collection method: clinical testing. Allele origin: germline. Not counted in ClinVar's aggregate classification.

Ambry Genetics
Classification: Likely benign for Hereditary cancer-predisposing syndrome. Last evaluated: 2015-06-04. Review status: criteria provided, single submitter. Criteria: Ambry Variant Classification Scheme 2023. Collection method: clinical testing. Allele origin: germline. Not counted in ClinVar's aggregate classification.

Breast Cancer Information Core (BIC) (BRCA1)
Classification: Uncertain significance for Breast-ovarian cancer, familial 1. Last evaluated: 2010-12-17. Review status: no assertion criteria provided. Collection method: clinical testing. Allele origin: germline. Affected: yes. Observed: 1 variant allele. Not counted in ClinVar's aggregate classification.